The following is an entry in ClinVar:

ClinVar aggregate classification (germline): Pathogenic (1 of 4 stars; one submission).

Conditions:
Rhabdoid tumor predisposition syndrome 2 (RTPS2). Identifiers: Orphanet 231108, Orphanet 69077, MedGen C2750074, MONDO:0013224, OMIM 613325.

Submission:

Labcorp Genetics (formerly Invitae), Labcorp
Classification: Pathogenic for Rhabdoid tumor predisposition syndrome 2. Last evaluated: 2024-05-21. Review status: criteria provided, single submitter. Criteria: Invitae Variant Classification Sherloc (09022015). Collection method: clinical testing. Allele origin: germline.
Comment: This sequence change creates a premature translational stop signal (p.Gln1071Alafs*9) in the SMARCA4 gene. It is expected to result in an absent or disrupted protein product. Loss-of-function variants in SMARCA4 are known to be pathogenic (PMID: 24658001, 24658002). This variant is not present in population databases (gnomAD no frequency). This variant has not been reported in the literature in individuals affected with SMARCA4-related conditions. For these reasons, this variant has been classified as Pathogenic.

Literature cited by the submitters: PubMed 24658001; PubMed 24658002.

NM_003072.5(SMARCA4):c.3210_3214del (p.Gln1071fs)

Gene: SMARCA4 (SWI/SNF related BAF chromatin remodeling complex subunit ATPase 4; plus strand). Cytogenetic location: 19p13.2.
Variant type: Deletion.
Coding change: c.3210_3214del on transcript NM_003072.5 (MANE Select); coding-DNA positions 3210 to 3214, 5 bases deleted (CCAAG; older notation c.3210_3214delCCAAG).
Protein change: p.Gln1071fs; shifts the reading frame from glutamine 1071.
Molecular consequence: frameshift variant. On other transcripts: non-coding transcript variant (1).
Genome position (GRCh38, 1-based): chr19:11,026,341-11,026,345, CCAAG deleted. VCF-style (leftmost placement, unchanged base first): chr19-11026340-TCCAAG-T. GRCh37 (hg19) VCF-style: chr19-11137016-TCCAAG-T.
Other names: c.3210_3214del, p.Gln1071fs (NM_001128844.3, NM_001128845.2, NM_001128846.2 and 6 more transcripts); short protein forms Q1071fs.
Identifiers: ClinVar variation 3654040 (VCV003654040.2).